The following is an entry in ClinVar:

ClinVar aggregate classification (germline): Uncertain significance (1 of 4 stars; one submission).

Conditions:
Pheochromocytoma. Also called: MAX-Related Hereditary Paraganglioma-Pheochromocytoma Syndrome. Identifiers: Orphanet 29072, MedGen C0031511, MONDO:0008233, OMIM 171300, HP:0002666.
Cowden syndrome 3 (CWS3). Identifiers: Orphanet 201, MedGen CN166604, MONDO:0014045.
Paragangliomas with sensorineural hearing loss. Identifiers: MedGen C1868633.
Carney-Stratakis syndrome. Also called: PARAGANGLIOMA AND GASTROINTESTINAL STROMAL TUMOR. Identifiers: Orphanet 97286, MedGen C1847319, MONDO:0011740, OMIM 606864.

Submission:

Labcorp Genetics (formerly Invitae), Labcorp
Classification: Uncertain significance for Carney-Stratakis syndrome; Paragangliomas with sensorineural hearing loss; Pheochromocytoma; Cowden syndrome 3. Last evaluated: 2021-01-14. Review status: criteria provided, single submitter. Criteria: Invitae Variant Classification Sherloc (09022015). Collection method: clinical testing. Allele origin: germline.
Comment: Algorithms developed to predict the effect of missense changes on protein structure and function are either unavailable or do not agree on the potential impact of this missense change (SIFT: "Deleterious"; PolyPhen-2: "Probably Damaging"; Align-GVGD: "Class C0"). In summary, the available evidence is currently insufficient to determine the role of this variant in disease. Therefore, it has been classified as a Variant of Uncertain Significance. This variant has not been reported in the literature in individuals with SDHD-related conditions. This variant is not present in population databases (ExAC no frequency). This sequence change replaces leucine with proline at codon 7 of the SDHD protein (p.Leu7Pro). The leucine residue is moderately conserved and there is a moderate physicochemical difference between leucine and proline.

NM_003002.4(SDHD):c.20T>C (p.Leu7Pro)

Genes: SDHD (succinate dehydrogenase complex subunit D; plus strand), LOC126861339 (BRD4-independent group 4 enhancer GRCh37_chr11:111957035-111958234; plus strand). Cytogenetic location: 11q23.1.
Variant type: single nucleotide variant.
Coding change: c.20T>C on transcript NM_003002.4 (MANE Select); coding-DNA position 20, T replaced by C.
Protein change: p.Leu7Pro; replaces leucine 7 with proline.
Molecular consequence: missense variant. On other transcripts: non-coding transcript variant (1).
Genome position (GRCh38, 1-based): chr11:112,086,927, T>C. VCF-style: chr11-112086927-T-C. GRCh37 (hg19) VCF-style: chr11-111957651-T-C.
Other names: c.20T>C, p.Leu7Pro (NM_001276503.2, NM_001276504.2, NM_001276506.2); short protein forms L7P.
Identifiers: ClinVar variation 1436049 (VCV001436049.8), dbSNP rs1865619523, ClinGen allele CA382616669.
Genomic context (GRCh38, chr11:112,086,927, plus strand): 5'-GGTTCCGGGTTGGTGGATGACCTTGAGCCCTCAGGAACGAGATGGCGGTTCTCTGGAGGC[T>C]GAGTGCCGTTTGCGGTGCCCTAGGAGGCCGAGGTGAGGGGTCTTCCCACCCTGAGGTGCT-3'
Protein context (NP_002993.1, residues 1-17): MAVLWR[Leu7Pro]SAVCGALGGR